The following is an entry in ClinVar:

ClinVar aggregate classification (germline): Pathogenic (1 of 4 stars; one submission).

Submission:

Labcorp Genetics (formerly Invitae), Labcorp
Classification: Pathogenic. Last evaluated: 2025-04-28. Review status: criteria provided, single submitter. Criteria: Invitae Variant Classification Sherloc (09022015). Collection method: clinical testing. Allele origin: germline.
Comment: This sequence change creates a premature translational stop signal (p.Gly62Aspfs*49) in the TGM1 gene. It is expected to result in an absent or disrupted protein product. Loss-of-function variants in TGM1 are known to be pathogenic (PMID: 18948357, 19241467). This variant is not present in population databases (gnomAD no frequency). This variant has not been reported in the literature in individuals affected with TGM1-related conditions. ClinVar contains an entry for this variant (Variation ID: 2787191). For these reasons, this variant has been classified as Pathogenic.

Literature cited by the submitters: PubMed 18948357; PubMed 19241467.

NM_000359.3(TGM1):c.185del (p.Gly62fs)

Gene: TGM1 (transglutaminase 1; minus strand). Cytogenetic location: 14q12.
Variant type: Deletion.
Coding change: c.185del on transcript NM_000359.3 (MANE Select); coding-DNA position 185, one base deleted (G; older notation c.185delG).
Protein change: p.Gly62fs; shifts the reading frame from glycine 62.
Molecular consequence: frameshift variant.
Genome position (GRCh38, 1-based): chr14:24,262,168, C deleted on the plus strand (G on the coding strand, the reverse complement: TGM1 is on the minus strand); the first of 4 consecutive C bases (chr14:24,262,168-24,262,171); deleting any one gives the same sequence. VCF-style (leftmost placement, unchanged base first): chr14-24262167-TC-T. GRCh37 (hg19) VCF-style: chr14-24731373-TC-T.
Other names: short protein forms G62fs.
Identifiers: ClinVar variation 2787191 (VCV002787191.3), dbSNP rs2502509234, ClinGen allele CA2739277842.